The following is an entry in ClinVar:

NM_138348.6(OTULIN):c.214G>A (p.Glu72Lys)

Gene: OTULIN (OTU deubiquitinase with linear linkage specificity; plus strand). Cytogenetic location: 5p15.2.
Variant type: single nucleotide variant.
Coding change: c.214G>A on transcript NM_138348.6 (MANE Select); coding-DNA position 214, G replaced by A.
Protein change: p.Glu72Lys; replaces glutamic acid 72 with lysine.
Molecular consequence: missense variant.
Genome position (GRCh38, 1-based): chr5:14,673,703, G>A. VCF-style: chr5-14673703-G-A. GRCh37 (hg19) VCF-style: chr5-14673812-G-A.
Other names: short protein forms E72K.
Identifiers: ClinVar variation 4778825 (VCV004778825.1).

ClinVar aggregate classification (germline): Uncertain significance (1 of 4 stars; one submission).

gnomAD v4.1: 5 of 1,613,532 alleles (0.00031%); highest among the groups gnomAD compares: Non-Finnish European, 0.00042%; no homozygotes.

Submission:

Labcorp Genetics (formerly Invitae), Labcorp
Classification: Uncertain significance. Last evaluated: 2025-09-22. Review status: criteria provided, single submitter. Criteria: Invitae Variant Classification Sherloc (09022015). Collection method: clinical testing. Allele origin: germline.
Comment: This sequence change replaces glutamic acid, which is acidic and polar, with lysine, which is basic and polar, at codon 72 of the OTULIN protein (p.Glu72Lys). This variant is not present in population databases (gnomAD no frequency). This variant has not been reported in the literature in individuals affected with OTULIN-related conditions. An algorithm developed to predict the effect of missense changes on protein structure and function (PolyPhen-2) suggests that this variant is likely to be tolerated. In summary, the available evidence is currently insufficient to determine the role of this variant in disease. Therefore, it has been classified as a Variant of Uncertain Significance.